The following is an entry in ClinVar:

ClinVar aggregate classification (germline): Uncertain significance. Review status: criteria provided, multiple submitters, no conflicts (2 of 4 stars). 3 submissions from 3 submitters: Uncertain significance (3). Last evaluated 2024-11-06.

Conditions:
Aortic valve disease 2 (AOVD2). Identifiers: MedGen C3542024, MONDO:0013902, OMIM 614823.
Craniosynostosis 7 (CRS7). Also called: CRANIOSYNOSTOSIS 7, DIGENIC; CRS7, DIGENIC. Identifiers: MedGen C4479496, MONDO:0044315, OMIM 617439.

Allele frequency attached by ClinVar (database versions not stated): TOPMed below 0.00001.
gnomAD v4.1: 8 of 1,604,356 alleles (0.0005%); highest among the groups gnomAD compares: South Asian, 0.0022%; no homozygotes.

Submissions (3):

Labcorp Genetics (formerly Invitae), Labcorp
Classification: Uncertain significance for Aortic valve disease 2. Last evaluated: 2024-11-06. Review status: criteria provided, single submitter. Criteria: Invitae Variant Classification Sherloc (09022015). Collection method: clinical testing. Allele origin: germline.
Comment: This sequence change replaces glycine, which is neutral and non-polar, with valine, which is neutral and non-polar, at codon 471 of the SMAD6 protein (p.Gly471Val). This variant is not present in population databases (gnomAD no frequency). This variant has not been reported in the literature in individuals affected with SMAD6-related conditions. ClinVar contains an entry for this variant (Variation ID: 1707547). Invitae Evidence Modeling of protein sequence and biophysical properties (such as structural, functional, and spatial information, amino acid conservation, physicochemical variation, residue mobility, and thermodynamic stability) indicates that this missense variant is expected to disrupt SMAD6 protein function with a positive predictive value of 80%. Algorithms developed to predict the effect of sequence changes on RNA splicing suggest that this variant may create or strengthen a splice site. In summary, the available evidence is currently insufficient to determine the role of this variant in disease. Therefore, it has been classified as a Variant of Uncertain Significance.

GeneDx
Classification: Uncertain significance. Last evaluated: 2023-06-29. Review status: criteria provided, single submitter. Criteria: GeneDx Variant Classification Process June 2021. Collection method: clinical testing. Allele origin: germline. Affected: yes.
Comment: Not observed at significant frequency in large population cohorts (gnomAD); In silico analysis supports that this missense variant has a deleterious effect on protein structure/function; Has not been previously published as pathogenic or benign to our knowledge

Institute of Human Genetics, University of Leipzig Medical Center
Classification: Uncertain significance for Craniosynostosis 7. Last evaluated: 2022-10-11. Review status: criteria provided, single submitter. Criteria: ACMG Guidelines, 2015. Collection method: clinical testing. Allele origin: paternal. Inheritance: Autosomal dominant inheritance. Affected: yes.
Comment: Criteria applied: PM1,PM2_SUP,PP3

NM_005585.5(SMAD6):c.1412G>T (p.Gly471Val)

Gene: SMAD6 (SMAD family member 6; plus strand). Cytogenetic location: 15q22.31.
Variant type: single nucleotide variant.
Coding change: c.1412G>T on transcript NM_005585.5 (MANE Select); coding-DNA position 1412, G replaced by T.
Protein change: p.Gly471Val; replaces glycine 471 with valine.
Molecular consequence: missense variant. On other transcripts: non-coding transcript variant (1).
Genome position (GRCh38, 1-based): chr15:66,781,456, G>T. VCF-style: chr15-66781456-G-T. GRCh37 (hg19) VCF-style: chr15-67073794-G-T.
Other names: c.1412G>T (NM_005585.4); short protein forms G471V.
Identifiers: ClinVar variation 1707547 (VCV001707547.5), dbSNP rs1595805424, ClinGen allele CA393202485.
Genomic context (GRCh38, chr15:66,781,456, plus strand): 5'-AGCCCGACGCCGCCGACGGCCCCTACGACCCCAACAGCGTCCGCATCAGCTTCGCCAAGG[G>T]CTGGGGGCCCTGCTACTCCCGGCAGTTCATCACCTCCTGCCCCTGCTGGCTGGAGATCCT-3'
Protein context (NP_005576.3, residues 461-481): PNSVRISFAK[Gly471Val]WGPCYSRQFI